The following is an entry in ClinVar:

NM_014423.4(AFF4):c.1171G>A (p.Asp391Asn)

Gene: AFF4 (ALF transcription elongation factor 4; minus strand). Cytogenetic location: 5q31.1.
Variant type: single nucleotide variant.
Coding change: c.1171G>A on transcript NM_014423.4 (MANE Select); coding-DNA position 1171, G replaced by A.
Protein change: p.Asp391Asn; replaces aspartic acid 391 with asparagine.
Molecular consequence: missense variant.
Genome position (GRCh38, 1-based): chr5:132,899,604, C>T on the plus strand (G>A on the coding strand, the complement: AFF4 is on the minus strand). VCF-style: chr5-132899604-C-T. GRCh37 (hg19) VCF-style: chr5-132235296-C-T.
Other names: short protein forms D391N.
Identifiers: ClinVar variation 4855867 (VCV004855867.1).

ClinVar aggregate classification (germline): Uncertain significance (1 of 4 stars; one submission).

Conditions:
Cognitive impairment - coarse facies - heart defects - obesity - pulmonary involvement - short stature - skeletal dysplasia syndrome. Also called: Chops syndrome; AFF4-Related CHOPS Syndrome; COGNITIVE IMPAIRMENT, COARSE FACIES, HEART DEFECTS, OBESITY, PULMONARY INVOLVEMENT, SHORT STATURE, AND SKELETAL DYSPLASIA. Identifiers: Orphanet 444077, MedGen C4085597, MONDO:0014609, OMIM 616368.

Submission:

3billion
Classification: Uncertain significance for Cognitive impairment - coarse facies - heart defects - obesity - pulmonary involvement - short stature - skeletal dysplasia syndrome. Last evaluated: 2025-10-01. Review status: criteria provided, single submitter. Criteria: ACMG Guidelines, 2015. Collection method: clinical testing. Allele origin: germline. Affected: yes.
Comment: The variant is not observed in the gnomAD v4.1.0 dataset. Predicted Consequence/Location: Missense variant. Missense changes are a common disease-causing mechanism. Damaging effect on gene or gene product predicted by in silico programs is uncertain [REVEL: 0.47 (damaging >=0.6, benign <0.4)]. Therefore, this variant is classified as VUS according to the recommendation of ACMG/AMP guideline.